The following is an entry in ClinVar:

NM_000038.6(APC):c.1302_1312+184del

Gene: APC (APC regulator of Wnt signaling pathway; plus strand). Cytogenetic location: 5q22.2.
Variant type: Deletion.
Coding change: c.1302_1312+184del on transcript NM_000038.6 (MANE Select); coding-DNA position 1302 through 184 bases into the intron after coding-DNA position 1312, 195 bases deleted.
Molecular consequence: splice donor variant.
Genome position (GRCh38, 1-based): chr5:112,819,334-112,819,528, 195 bases deleted. GRCh37 (hg19): chr5:112,155,031-112,155,225.
Other names: c.453_463+184del (NM_001407470.1, NM_001354906.2); c.150_160+184del (NM_001407472.1, NM_001407471.1); c.1302_1312+184del (NM_001407447.1, NM_001354895.2, NM_001407448.1 and 4 more transcripts); c.999_1009+184del (NM_001407456.1, NM_001407460.1, NM_001407457.1 and 5 more transcripts); c.1218_1228+184del (NM_001407452.1, NM_001354899.2); c.915_925+184del (NM_001407469.1, NM_001407467.1); c.1332_1342+184del (NM_001407446.1, NM_001354897.2); c.1029_1039+184del (NM_001354902.2); and 5 more.
Identifiers: ClinVar variation 2745989 (VCV002745989.3), dbSNP rs2533060558, ClinGen allele CA2697546404.

ClinVar aggregate classification (germline): Pathogenic (1 of 4 stars; one submission).

Conditions:
Familial adenomatous polyposis 1 (FAP1). Also called: FAMILIAL ADENOMATOUS POLYPOSIS 1, ATTENUATED; POLYPOSIS, ADENOMATOUS INTESTINAL. Identifiers: MedGen C2713442, MONDO:0021056, OMIM 175100. Disease mechanism: loss of function.

Submission:

Labcorp Genetics (formerly Invitae), Labcorp
Classification: Pathogenic for Familial adenomatous polyposis 1. Last evaluated: 2023-11-10. Review status: criteria provided, single submitter. Criteria: Invitae Variant Classification Sherloc (09022015). Collection method: clinical testing. Allele origin: germline.
Comment: This variant results in the deletion of part of exon 10 (c.1302_1312+184del) of the APC gene. It is expected to disrupt RNA splicing. Variants that disrupt the donor or acceptor splice site typically lead to a loss of protein function (PMID: 16199547), and loss-of-function variants in APC are known to be pathogenic (PMID: 17963004, 20685668). This variant is not present in population databases (gnomAD no frequency). This variant has been observed in individual(s) with familial adenomatous polyposis (Invitae). Algorithms developed to predict the effect of sequence changes on RNA splicing suggest that this variant may disrupt the consensus splice site. For these reasons, this variant has been classified as Pathogenic.

Literature cited by the submitters: PubMed 16199547; PubMed 17963004; PubMed 20685668.